The following is an entry in ClinVar:

ClinVar aggregate classification (germline): Likely benign. Review status: criteria provided, multiple submitters, no conflicts (2 of 4 stars). 2 submissions from 2 submitters: Likely benign (2). Last evaluated 2025-03-23.

Conditions:
Combined oxidative phosphorylation defect type 27. Also called: Combined oxidative phosphorylation deficiency 27. Identifiers: Orphanet 477774, MedGen C5567608, MONDO:0014728, OMIM 616672.

Allele frequency attached by ClinVar (database versions not stated): ExAC 0.00002; TOPMed 0.00002; gnomAD exomes 0.00004; gnomAD 0.00007 and 0.00009; ESP Exome Variant Server 0.00008.
gnomAD v4.1: 119 of 1,610,548 alleles (0.0074%); highest among the groups gnomAD compares: Non-Finnish European, 0.0097%; no homozygotes.

Submissions (2):

Labcorp Genetics (formerly Invitae), Labcorp
Classification: Likely benign for Combined oxidative phosphorylation defect type 27. Last evaluated: 2025-03-23. Review status: criteria provided, single submitter. Criteria: Invitae Variant Classification Sherloc (09022015). Collection method: clinical testing. Allele origin: germline.

GeneDx
Classification: Likely benign. Last evaluated: 2017-08-04. Review status: criteria provided, single submitter. Criteria: GeneDx Variant Classification (06012015). Collection method: clinical testing. Allele origin: germline. Affected: yes.
Comment: This variant is considered likely benign or benign based on one or more of the following criteria: it is a conservative change, it occurs at a poorly conserved position in the protein, it is predicted to be benign by multiple in silico algorithms, and/or has population frequency not consistent with disease.

NM_024537.4(CARS2):c.1194-17C>G

Gene: CARS2 (cysteinyl-tRNA synthetase 2, mitochondrial; minus strand). Cytogenetic location: 13q34.
Variant type: single nucleotide variant.
Coding change: c.1194-17C>G on transcript NM_024537.4 (MANE Select); 17 bases into the intron before coding-DNA position 1194, C replaced by G.
Molecular consequence: intron variant.
Genome position (GRCh38, 1-based): chr13:110,646,107, G>C on the plus strand (C>G on the coding strand, the complement: CARS2 is on the minus strand). VCF-style: chr13-110646107-G-C. GRCh37 (hg19) VCF-style: chr13-111298454-G-C.
Other names: c.408-17C>G (NM_001352252.2).
Identifiers: ClinVar variation 510974 (VCV000510974.8), dbSNP rs377292484, ClinGen allele CA7051869.
Genomic context (GRCh38, chr13:110,646,107, plus strand): 5'-CATCTGCCAAGGCCGCCTTCACGGCCCTCTTGGTGCTGGAGAGCCTGAGGGAAGAGGAGA[G>C]AACAGTCACAGCAGAGGGAGCTCCACTCTCCCCAGGCGGCCCCCACACCAGTCCTTCCCC-3'